The following is an entry in ClinVar:

NM_000368.5(TSC1):c.1954_1997+57dup

Gene: TSC1 (TSC complex subunit 1; minus strand). Cytogenetic location: 9q34.13.
Variant type: Duplication.
Coding change: c.1954_1997+57dup on transcript NM_000368.5 (MANE Select); coding-DNA position 1954 through 57 bases into the intron after coding-DNA position 1997, 101 bases duplicated.
Molecular consequence: splice donor variant.
Genome position (GRCh38, 1-based): chr9:132,905,524-132,905,624, 101 bases duplicated. GRCh37 (hg19): chr9:135,780,912-135,781,012.
Other names: c.1588_1631+57dup (NM_001406620.1, NM_001406625.1, NM_001406621.1 and 2 more transcripts); c.1591_1634+57dup (NM_001406618.1, NM_001406617.1, NM_001406619.1 and 5 more transcripts); c.1798_1841+57dup (NM_001406613.1, NM_001406612.1, NM_001406611.1); c.1801_1844+57dup (NM_001406610.1, NM_001162427.2); c.1000_1043+57dup (NM_001406627.1, NM_001406628.1); c.901_944+57dup (NM_001406629.1, NM_001406630.1); c.1951_1994+57dup (NM_001406603.1, NM_001406609.1, NM_001406597.1 and 6 more transcripts); c.1954_1997+57dup (NM_001406602.1, NM_001406606.1, NM_001406592.1 and 7 more transcripts); and 1 more.
Identifiers: ClinVar variation 3652590 (VCV003652590.2).

ClinVar aggregate classification (germline): Uncertain significance (1 of 4 stars; one submission).

Conditions:
Tuberous sclerosis 1 (TSC1). Identifiers: Orphanet 805, MedGen C1854465, MONDO:0008612, OMIM 191100.

Submission:

Labcorp Genetics (formerly Invitae), Labcorp
Classification: Uncertain significance for Tuberous sclerosis 1. Last evaluated: 2024-06-26. Review status: criteria provided, single submitter. Criteria: Invitae Variant Classification Sherloc (09022015). Collection method: clinical testing. Allele origin: germline.
Comment: This sequence change falls in intron 15 of the TSC1 gene. It does not directly change the encoded amino acid sequence of the TSC1 protein. This variant is not present in population databases (gnomAD no frequency). This variant has not been reported in the literature in individuals affected with TSC1-related conditions. Experimental studies and prediction algorithms are not available or were not evaluated, and the effect of this variant on mRNA splicing is currently unknown. In summary, the available evidence is currently insufficient to determine the role of this variant in disease. Therefore, it has been classified as a Variant of Uncertain Significance.